The following is an entry in ClinVar:

ClinVar aggregate classification (germline): Benign/Likely benign. Review status: criteria provided, multiple submitters, no conflicts (2 of 4 stars). 6 submissions from 6 submitters: Benign (5); Likely benign (1). Last evaluated 2026-02-04.

Conditions:
Primary ciliary dyskinesia 27. Also called: CILIARY DYSKINESIA, PRIMARY, 27, WITHOUT SITUS INVERSUS. Identifiers: Orphanet 244, MedGen C3809701, MONDO:0014215, OMIM 615504.

Allele frequency attached by ClinVar (database versions not stated): 1000 Genomes Project 30x 0.30668; ESP Exome Variant Server 0.30747; 1000 Genomes Project 0.30990; gnomAD 0.32513 and 0.32613; TOPMed 0.33800; ExAC 0.36988; gnomAD exomes 0.37542 and 0.38214.
gnomAD v4.1: 597,931 of 1,613,544 alleles (37%); highest among the groups gnomAD compares: Admixed American, 52%; 115,383 homozygotes.

Submissions (6):

Labcorp Genetics (formerly Invitae), Labcorp
Classification: Benign for Primary ciliary dyskinesia 27. Last evaluated: 2026-02-04. Review status: criteria provided, single submitter. Criteria: Invitae Variant Classification Sherloc (09022015). Collection method: clinical testing. Allele origin: germline.

Blueprint Genetics
Classification: Likely benign. Last evaluated: 2024-11-27. Review status: criteria provided, single submitter. Criteria: ACMG Guidelines, 2015. Collection method: clinical testing. Allele origin: germline.

Genome-Nilou Lab
Classification: Benign for Primary ciliary dyskinesia 27. Last evaluated: 2021-07-14. Review status: criteria provided, single submitter. Criteria: ACMG Guidelines, 2015. Collection method: clinical testing. Allele origin: germline. Affected: no.

GeneDx
Classification: Benign. Last evaluated: 2018-11-10. Review status: criteria provided, single submitter. Criteria: GeneDx Variant Classification Process June 2021. Collection method: clinical testing. Allele origin: germline. Affected: yes.

Laboratory for Molecular Medicine, Mass General Brigham Personalized Medicine
Classification: Benign. Last evaluated: 2016-03-29. Review status: criteria provided, single submitter. Criteria: LMM Criteria. Collection method: clinical testing. Allele origin: germline.
Comment: Variant identified in a genome or exome case(s) and assessed due to predicted null impact of the variant or pathogenic assertions in the literature or databases. Disclaimer: This variant has not undergone full assessment. The following are preliminary notes: Frequency

Breakthrough Genomics
Classification: Benign. Review status: criteria provided, single submitter. Criteria: ACMG Guidelines, 2015. Collection method: not provided. Allele origin: germline. Inheritance: Autosomal recessive inheritance. Affected: yes.

NM_033124.5(DRC2):c.398A>G (p.His133Arg)

Gene: DRC2 (dynein regulatory complex subunit 2; plus strand). Cytogenetic location: 12q13.12.
Variant type: single nucleotide variant.
Coding change: c.398A>G on transcript NM_033124.5 (MANE Select); coding-DNA position 398, A replaced by G.
Protein change: p.His133Arg; replaces histidine 133 with arginine.
Molecular consequence: missense variant. On other transcripts: 5 prime UTR variant (1).
Genome position (GRCh38, 1-based): chr12:48,914,501, A>G. VCF-style: chr12-48914501-A-G. GRCh37 (hg19) VCF-style: chr12-49308284-A-G.
Other names: c.-32A>G (NM_001286957.2); short protein forms H133R.
Identifiers: ClinVar variation 402501 (VCV000402501.20), dbSNP rs10747556, ClinGen allele CA6543227.